The following is an entry in ClinVar:

ClinVar aggregate classification (germline): Benign. Review status: criteria provided, multiple submitters, no conflicts (2 of 4 stars). 3 submissions from 3 submitters: Benign (3). Last evaluated 2020-04-28.

Conditions:
Glanzmann thrombasthenia. Also called: PLATELET GLYCOPROTEIN IIb-IIIa DEFICIENCY; Thrombasthenia; Glanzmann's thrombasthenia; BLEEDING DISORDER, PLATELET-TYPE, 2; THROMBASTHENIA OF GLANZMANN AND NAEGELI. Identifiers: Orphanet 849, MedGen C0040015, MONDO:0100326.

Allele frequency attached by ClinVar (database versions not stated): TOPMed 0.69594; gnomAD 0.69848 and 0.70020; gnomAD exomes 0.69903; 1000 Genomes Project 30x 0.72111; 1000 Genomes Project 0.72344.
gnomAD v4.1: 108,321 of 154,644 alleles (70%); highest among the groups gnomAD compares: East Asian, 81%; 38,174 homozygotes.

Submissions (3):

GeneDx
Classification: Benign. Last evaluated: 2020-04-28. Review status: criteria provided, single submitter. Criteria: GeneDx Variant Classification Process June 2021. Collection method: clinical testing. Allele origin: germline. Affected: yes.
Comment: This variant is associated with the following publications: (PMID: 23451109)

Illumina Laboratory Services, Illumina
Classification: Benign for Glanzmann thrombasthenia 1. Last evaluated: 2018-01-12. Review status: criteria provided, single submitter. Criteria: ICSL Variant Classification Criteria 13 December 2019. Collection method: clinical testing. Allele origin: germline.
Comment: This variant was observed in the ICSL laboratory as part of a predisposition screen in an ostensibly healthy population. It had not been previously curated by ICSL or reported in the Human Gene Mutation Database (HGMD: prior to June 1st, 2018), and was therefore a candidate for classification through an automated scoring system. Utilizing variant allele frequency, disease prevalence and penetrance estimates, and inheritance mode, an automated score was calculated to assess if this variant is too frequent to cause the disease. Based on the score and internal cut-off values, a variant classified as benign is not then subjected to further curation. The score for this variant resulted in a classification of benign for this disease.

Breakthrough Genomics
Classification: Benign. Review status: criteria provided, single submitter. Criteria: ACMG Guidelines, 2015. Collection method: not provided. Allele origin: germline. Inheritance: Autosomal recessive inheritance. Affected: yes.

NM_000212.3(ITGB3):c.*1016T>A

Genes: ITGB3 (integrin subunit beta 3; plus strand), EFCAB13-DT (EFCAB13 divergent transcript; minus strand). Cytogenetic location: 17q21.32.
Variant type: single nucleotide variant.
Coding change: c.*1016T>A on transcript NM_000212.3 (MANE Select); 1016 bases downstream of the stop codon, T replaced by A.
Molecular consequence: 3 prime UTR variant.
Genome position (GRCh38, 1-based): chr17:47,311,220, T>A. VCF-style: chr17-47311220-T-A. GRCh37 (hg19) VCF-style: chr17-45388586-T-A.
Identifiers: ClinVar variation 323891 (VCV000323891.8), dbSNP rs3809865, ClinGen allele CA10650408.